The following is an entry in ClinVar:

NM_201384.3(PLEC):c.2483G>A (p.Cys828Tyr)

Gene: PLEC (plectin; minus strand). Cytogenetic location: 8q24.3.
Variant type: single nucleotide variant.
Coding change: c.2483G>A on transcript NM_201384.3 (MANE Select); coding-DNA position 2483, G replaced by A.
Protein change: p.Cys828Tyr; replaces cysteine 828 with tyrosine.
Molecular consequence: missense variant.
Genome position (GRCh38, 1-based): chr8:143,930,273, C>T on the plus strand (G>A on the coding strand, the complement: PLEC is on the minus strand). VCF-style: chr8-143930273-C-T. GRCh37 (hg19) VCF-style: chr8-145004441-C-T.
Other names: c.2564G>A, p.Cys855Tyr (NM_000445.5, NM_001410941.1); c.2441G>A, p.Cys814Tyr (NM_201378.4); c.2417G>A, p.Cys806Tyr (NM_201379.3); c.2894G>A, p.Cys965Tyr (NM_201380.4); c.2387G>A, p.Cys796Tyr (NM_201381.3); c.2483G>A, p.Cys828Tyr (NM_201382.4); c.2495G>A, p.Cys832Tyr (NM_201383.3); short protein forms C832Y, C828Y, C965Y, C806Y, C855Y, C796Y, C814Y.
Identifiers: ClinVar variation 2921365 (VCV002921365.3), dbSNP rs782307935, ClinGen allele CA4927500.
Genomic context (GRCh38, chr8:143,930,273, plus strand): 5'-TCGCTGCCGGAGCTGCTGAGCACCTTCCAGTGGGACGGCTGTGCAGGGCCCACCAGCTGG[C>T]ACTCGTCACCCTTGTGCACAGTCACCTGGGACGGGCAGAGTCGGTGAGGACATGGCCACA-3'
Protein context (NP_958786.1, residues 818-838): VEVTVHKGDE[Cys828Tyr]QLVGPAQPSH

ClinVar aggregate classification (germline): Uncertain significance (1 of 4 stars; one submission).

Conditions:
Epidermolysis bullosa simplex with nail dystrophy (EBS5D). Identifiers: MedGen C4225309, MONDO:0014661, OMIM 616487.
Epidermolysis bullosa simplex, Ogna type (EBS5A). Also called: EPIDERMOLYSIS BULLOSA SIMPLEX 5A, OGNA TYPE; Pidermolysis bullosa simplex 5A, Ogna type. Identifiers: Orphanet 79401, MedGen C0432317, MONDO:0007555, OMIM 131950.
Epidermolysis bullosa simplex 5C, with pyloric atresia (EBS5C). Also called: PLEC1-Related Epidermolysis Bullosa with Pyloric Atresia; PLEC-Related Epidermolysis Bullosa with Pyloric Atresia; Epidermolysis bullosa simplex with pyloric atresia. Identifiers: Orphanet 158684, MedGen C2677349, MONDO:0012807, OMIM 612138.
Autosomal recessive limb-girdle muscular dystrophy type 2Q (LGMDR17). Also called: MUSCULAR DYSTROPHY, LIMB-GIRDLE, AUTOSOMAL RECESSIVE 17. Identifiers: Orphanet 254361, MedGen C3150989, MONDO:0013390, OMIM 613723.
Epidermolysis bullosa simplex 5B, with muscular dystrophy (EBS5B). Also called: EPIDERMOLYSIS BULLOSA SIMPLEX AND LIMB-GIRDLE MUSCULAR DYSTROPHY; Epidermolysis bullosa simplex with muscular dystrophy. Identifiers: Orphanet 257, MedGen C2931072, MONDO:0009181, OMIM 226670.

Allele frequency attached by ClinVar (database versions not stated): ExAC 0.00001.
gnomAD v4.1: 38 of 1,602,998 alleles (0.0024%); highest among the groups gnomAD compares: Non-Finnish European, 0.0032%; no homozygotes.

Submission:

Labcorp Genetics (formerly Invitae), Labcorp
Classification: Uncertain significance for Autosomal recessive limb-girdle muscular dystrophy type 2Q; Epidermolysis bullosa simplex, Ogna type; Epidermolysis bullosa simplex with nail dystrophy; Epidermolysis bullosa simplex 5C, with pyloric atresia; Epidermolysis bullosa simplex 5B, with muscular dystrophy. Last evaluated: 2023-07-19. Review status: criteria provided, single submitter. Criteria: Invitae Variant Classification Sherloc (09022015). Collection method: clinical testing. Allele origin: germline.
Comment: In summary, the available evidence is currently insufficient to determine the role of this variant in disease. Therefore, it has been classified as a Variant of Uncertain Significance. Advanced modeling of protein sequence and biophysical properties (such as structural, functional, and spatial information, amino acid conservation, physicochemical variation, residue mobility, and thermodynamic stability) performed at Invitae indicates that this missense variant is not expected to disrupt PLEC protein function. This variant has not been reported in the literature in individuals affected with PLEC-related conditions. The frequency data for this variant in the population databases is considered unreliable, as metrics indicate poor data quality at this position in the gnomAD database. This sequence change replaces cysteine, which is neutral and slightly polar, with tyrosine, which is neutral and polar, at codon 855 of the PLEC protein (p.Cys855Tyr).